The following is an entry in ClinVar:

ClinVar aggregate classification (germline): Benign/Likely benign. Review status: criteria provided, multiple submitters, no conflicts (2 of 4 stars). 4 submissions from 3 submitters: Benign (2); Likely benign (2). Last evaluated 2018-06-14.

Conditions:
Joubert syndrome 24 (JBTS24). Identifiers: Orphanet 475, MedGen C4084841, MONDO:0014724, OMIM 616654.
Meckel syndrome, type 8. Identifiers: Orphanet 564, MedGen C3836857, MONDO:0013482, OMIM 613885.

Allele frequency attached by ClinVar (database versions not stated): 1000 Genomes Project 30x 0.02139; 1000 Genomes Project 0.02196; TOPMed 0.03343; gnomAD 0.03695 and 0.03708; ESP Exome Variant Server 0.04336.
gnomAD v4.1: 76,698 of 1,539,316 alleles (5%); highest among the groups gnomAD compares: Middle Eastern, 5.9%; 2,134 homozygotes.

Submissions (4):

GeneDx
Classification: Benign. Last evaluated: 2018-06-14. Review status: criteria provided, single submitter. Criteria: GeneDx Variant Classification (06012015). Collection method: clinical testing. Allele origin: germline. Affected: yes.
Comment: This variant is considered likely benign or benign based on one or more of the following criteria: it is a conservative change, it occurs at a poorly conserved position in the protein, it is predicted to be benign by multiple in silico algorithms, and/or has population frequency not consistent with disease.

Illumina Laboratory Services, Illumina
Classification: Benign for Joubert syndrome 24. Last evaluated: 2018-01-13. Review status: criteria provided, single submitter. Criteria: ICSL Variant Classification Criteria 13 December 2019. Collection method: clinical testing. Allele origin: germline.
Comment: This variant was observed in the ICSL laboratory as part of a predisposition screen in an ostensibly healthy population. It had not been previously curated by ICSL or reported in the Human Gene Mutation Database (HGMD: prior to June 1st, 2018), and was therefore a candidate for classification through an automated scoring system. Utilizing variant allele frequency, disease prevalence and penetrance estimates, and inheritance mode, an automated score was calculated to assess if this variant is too frequent to cause the disease. Based on the score and internal cut-off values, a variant classified as benign is not then subjected to further curation. The score for this variant resulted in a classification of benign for this disease.

Illumina Laboratory Services, Illumina
Classification: Likely benign for Meckel syndrome, type 8. Last evaluated: 2018-01-13. Review status: criteria provided, single submitter. Criteria: ICSL Variant Classification Criteria 13 December 2019. Collection method: clinical testing. Allele origin: germline.
Comment: This variant was observed in the ICSL laboratory as part of a predisposition screen in an ostensibly healthy population. It had not been previously curated by ICSL or reported in the Human Gene Mutation Database (HGMD: prior to June 1st, 2018), and was therefore a candidate for classification through an automated scoring system. Utilizing variant allele frequency, disease prevalence and penetrance estimates, and inheritance mode, an automated score was calculated to assess if this variant is too frequent to cause the disease. Based on the score and internal cut-off values, a variant classified as likely benign is not then subjected to further curation. The score for this variant resulted in a classification of likely benign for this disease.

Breakthrough Genomics
Classification: Likely benign. Review status: criteria provided, single submitter. Criteria: ACMG Guidelines, 2015. Collection method: not provided. Allele origin: germline. Inheritance: Autosomal recessive inheritance. Affected: yes.

NM_024809.5(TCTN2):c.-55C>A

Gene: TCTN2 (tectonic family member 2; plus strand). Cytogenetic location: 12q24.31.
Variant type: single nucleotide variant.
Coding change: c.-55C>A on transcript NM_024809.5 (MANE Select); 55 bases upstream of the start codon, C replaced by A.
Molecular consequence: 5 prime UTR variant.
Genome position (GRCh38, 1-based): chr12:123,671,186, C>A. VCF-style: chr12-123671186-C-A. GRCh37 (hg19) VCF-style: chr12-124155733-C-A.
Other names: c.-55C>A (NM_001143850.3).
Identifiers: ClinVar variation 307542 (VCV000307542.7), dbSNP rs78846567, ClinGen allele CA10640468.